The following is an entry in ClinVar:

NM_000554.6(CRX):c.828G>A (p.Trp276Ter)

Gene: CRX (cone-rod homeobox; plus strand). Cytogenetic location: 19q13.33.
Variant type: single nucleotide variant.
Coding change: c.828G>A on transcript NM_000554.6 (MANE Select); coding-DNA position 828, G replaced by A.
Protein change: p.Trp276Ter; replaces tryptophan 276 with a stop codon.
Molecular consequence: nonsense.
Genome position (GRCh38, 1-based): chr19:47,839,895, G>A. VCF-style: chr19-47839895-G-A. GRCh37 (hg19) VCF-style: chr19-48343152-G-A.
Other names: short protein forms W276*.
Identifiers: ClinVar variation 4293076 (VCV004293076.1).

ClinVar aggregate classification (germline): Likely pathogenic (1 of 4 stars; one submission).

Conditions:
Cone-rod dystrophy 2 (CORD2). Also called: CONE-ROD RETINAL DYSTROPHY; Cone-rod retinal dystrophy 2. Identifiers: Orphanet 1872, MedGen C3489532, MONDO:0007362, OMIM 120970.

Submission:

3billion
Classification: Likely pathogenic for Cone-rod dystrophy 2. Last evaluated: 2024-12-15. Review status: criteria provided, single submitter. Criteria: ACMG Guidelines, 2015. Collection method: clinical testing. Allele origin: germline. Affected: yes.
Comment: The variant is not observed in the gnomAD v4.1.0 dataset. Predicted Consequence/Location: Stop-gained (nonsense): predicted to result in a loss or disruption of normal protein function through protein truncation. The predicted truncated protein may be shortened by less than 10%. Several variants downstream of the variant were reported pathogenic/likely pathogenic. Therefore, this variant is classified as Likely pathogenic according to the recommendation of ACMG/AMP guideline.